The following is an entry in ClinVar:

NM_013275.6(ANKRD11):c.4685G>T (p.Gly1562Val)

Gene: ANKRD11 (ankyrin repeat domain 11; minus strand). Cytogenetic location: 16q24.3.
Variant type: single nucleotide variant.
Coding change: c.4685G>T on transcript NM_013275.6 (MANE Select); coding-DNA position 4685, G replaced by T.
Protein change: p.Gly1562Val; replaces glycine 1562 with valine.
Molecular consequence: missense variant.
Genome position (GRCh38, 1-based): chr16:89,281,857, C>A on the plus strand (G>T on the coding strand, the complement: ANKRD11 is on the minus strand). VCF-style: chr16-89281857-C-A. GRCh37 (hg19) VCF-style: chr16-89348265-C-A.
Other names: c.4685G>T, p.Gly1562Val (NM_001256182.2, NM_001256183.2); short protein forms G1562V.
Identifiers: ClinVar variation 4696922 (VCV004696922.1).

ClinVar aggregate classification (germline): Uncertain significance (1 of 4 stars; one submission).

Conditions:
KBG syndrome (KBGS). Also called: ANKRD11-Related KBG Syndrome. Identifiers: Orphanet 2332, MedGen C0220687, MONDO:0007846, OMIM 148050.

gnomAD v4.1: 1 of 1,613,916 alleles (0.000062%); highest among the groups gnomAD compares: Non-Finnish European, 0.000085%; no homozygotes.

Submission:

Labcorp Genetics (formerly Invitae), Labcorp
Classification: Uncertain significance for KBG syndrome. Last evaluated: 2025-07-15. Review status: criteria provided, single submitter. Criteria: Invitae Variant Classification Sherloc (09022015). Collection method: clinical testing. Allele origin: germline.
Comment: This sequence change replaces glycine, which is neutral and non-polar, with valine, which is neutral and non-polar, at codon 1562 of the ANKRD11 protein (p.Gly1562Val). This variant is not present in population databases (gnomAD no frequency). This variant has not been reported in the literature in individuals affected with ANKRD11-related conditions. Invitae Evidence Modeling of protein sequence and biophysical properties (such as structural, functional, and spatial information, amino acid conservation, physicochemical variation, residue mobility, and thermodynamic stability) indicates that this missense variant is not expected to disrupt ANKRD11 protein function with a negative predictive value of 95%. In summary, the available evidence is currently insufficient to determine the role of this variant in disease. Therefore, it has been classified as a Variant of Uncertain Significance.